The following is an entry in ClinVar:

ClinVar aggregate classification (germline): Pathogenic/Likely pathogenic. Review status: criteria provided, multiple submitters, no conflicts (2 of 4 stars). 3 submissions from 3 submitters: Pathogenic (1); Likely pathogenic (1). 1 of the submissions does not count toward it. Last evaluated 2026-02-16.

Conditions:
Cardiovascular phenotype. Identifiers: MedGen CN230736.
TTR-related disorder. Also called: TTR-related disorders; TTR-related condition.
Amyloidosis, hereditary systemic 1 (AMYLD1). Also called: Familial amyloid polyneuropathy; Transthyretin Amyloidosis; Isolated Cardiac Amyloidosis; Amyloid Cardiomyopathy, Transthyretin-related; AMYLOID CARDIOMYOPATHY; Hereditary Transthyretin Amyloidosis. Identifiers: Orphanet 85447, Orphanet 85451, MedGen C2751492, MONDO:0971004, OMIM 105210.

Submissions (3):

Ambry Genetics
Classification: Likely pathogenic for Cardiovascular phenotype. Last evaluated: 2026-02-16. Review status: criteria provided, single submitter. Criteria: Ambry Variant Classification Scheme 2023. Collection method: clinical testing. Allele origin: germline.
Comment: The p.T69I variant (also known as c.206C>T), located in coding exon 3 of the TTR gene, results from a C to T substitution at nucleotide position 206. The threonine at codon 69 is replaced by isoleucine, an amino acid with similar properties. This variant was reported in individual(s) with features consistent with hereditary transthyretin-related amyloidosis (Nakamura M et al. Hum Hered, 1999 Jul;49:186-9; Damy T et al. Eur Heart J, 2016 Jun;37:1826-34; Auer-Grumbach M et al. J Clin Med, 2020 Jul;9:; Skrahina V et al. Ann Med, 2021 Dec;53:1787-1796). This amino acid position is highly conserved in available vertebrate species. In addition, this alteration is predicted to be deleterious by in silico analysis. This variant is considered to be rare based on population cohorts in the Genome Aggregation Database (gnomAD). Based on the majority of available evidence to date, this variant is likely to be pathogenic.

Labcorp Genetics (formerly Invitae), Labcorp
Classification: Pathogenic for Amyloidosis, hereditary systemic 1. Last evaluated: 2020-12-19. Review status: criteria provided, single submitter. Criteria: Invitae Variant Classification Sherloc (09022015). Collection method: clinical testing. Allele origin: germline.
Comment: For these reasons, this variant has been classified as Pathogenic. This variant disrupts the p.Thr69 amino acid residue in TTR. Other variant(s) that disrupt this residue have been determined to be pathogenic (PMID: 1301926, 17503405, 20209591, 23713495, 21692911, 27859927). This suggests that this residue is clinically significant, and that variants that disrupt this residue are likely to be disease-causing. Advanced modeling of protein sequence and biophysical properties (such as structural, functional, and spatial information, amino acid conservation, physicochemical variation, residue mobility, and thermodynamic stability) performed at Invitae indicates that this missense variant is expected to disrupt TTR protein function. This variant has been observed in individual(s) with clinical features of hereditary transthyretin amyloidosis (PMID: 10436378, 17503405, 26537620). This variant is also known as p.Thr49Ile. This variant is not present in population databases (ExAC no frequency). This sequence change replaces threonine with isoleucine at codon 69 of the TTR protein (p.Thr69Ile). The threonine residue is highly conserved and there is a moderate physicochemical difference between threonine and isoleucine.

PreventionGenetics, part of Exact Sciences
Classification: Pathogenic for TTR-related condition. Last evaluated: 2024-03-01. Review status: no assertion criteria provided. Collection method: clinical testing. Allele origin: germline. Not counted in ClinVar's aggregate classification.
Comment: The TTR c.206C>T variant is predicted to result in the amino acid substitution p.Thr69Ile. This variant is alternatively referred to as p.Thr49Ile using legacy nomenclature. This variant has been reported in multiple individuals with transthyretin-related amyloidosis with variable expressivity and patients presenting with both neurologic and/or cardiac features (Ando et al. 2013. PubMed ID: 23425518; Nakamura et al. 1999. PubMed ID: 10436378; Suhr et al. 2016. PubMed ID: 26656838; Skrahina et al. 2021. PubMed ID: 34658264). This variant has not been reported in a large population database, indicating it is rare in the general population. Alternative nucleotide substitutions affecting the same amino acid (p.Thr69Pro, p.Thr69Ala, and p.Thr69Ser), have been reported in multiple individuals with transthyretin-related amyloidosis (Suhr et al. 2016. PubMed ID: 26656838; Iorio et al. 2017. PubMed ID: 28635949; Ikura et al. 2022. PubMed ID: 35149236). This variant is interpreted as pathogenic.

Literature cited by the submitters: PubMed 10436378 (cited by Ambry Genetics and Labcorp Genetics (formerly Invitae), Labcorp); PubMed 17503405 (cited by Ambry Genetics and Labcorp Genetics (formerly Invitae), Labcorp); PubMed 26537620 (cited by Ambry Genetics and Labcorp Genetics (formerly Invitae), Labcorp); PubMed 32674397 (cited by Ambry Genetics); PubMed 34658264 (cited by Ambry Genetics); PubMed 1301926 (cited by Labcorp Genetics (formerly Invitae), Labcorp); PubMed 20209591 (cited by Labcorp Genetics (formerly Invitae), Labcorp); PubMed 23713495 (cited by Labcorp Genetics (formerly Invitae), Labcorp); PubMed 21692911 (cited by Labcorp Genetics (formerly Invitae), Labcorp); PubMed 27859927 (cited by Labcorp Genetics (formerly Invitae), Labcorp).

NM_000371.4(TTR):c.206C>T (p.Thr69Ile)

Gene: TTR (transthyretin; plus strand). Cytogenetic location: 18q12.1.
Variant type: single nucleotide variant.
Coding change: c.206C>T on transcript NM_000371.4 (MANE Select); coding-DNA position 206, C replaced by T.
Protein change: p.Thr69Ile; replaces threonine 69 with isoleucine.
Molecular consequence: missense variant.
Genome position (GRCh38, 1-based): chr18:31,595,125, C>T. VCF-style: chr18-31595125-C-T. GRCh37 (hg19) VCF-style: chr18-29175088-C-T.
Other names: c.206C>T (NM_000371.3); short protein forms T69I.
Identifiers: ClinVar variation 1454801 (VCV001454801.9), dbSNP rs1555631387, ClinGen allele CA16044074.